The following is an entry in ClinVar:

ClinVar aggregate classification (germline): Uncertain significance (1 of 4 stars; one submission).

Submission:

Labcorp Genetics (formerly Invitae), Labcorp
Classification: Uncertain significance. Last evaluated: 2022-07-19. Review status: criteria provided, single submitter. Criteria: Invitae Variant Classification Sherloc (09022015). Collection method: clinical testing. Allele origin: germline.
Comment: In summary, the available evidence is currently insufficient to determine the role of this variant in disease. Therefore, it has been classified as a Variant of Uncertain Significance. Algorithms developed to predict the effect of missense changes on protein structure and function are either unavailable or do not agree on the potential impact of this missense change (SIFT: "Deleterious"; PolyPhen-2: "Benign"; Align-GVGD: "Class C15"). ClinVar contains an entry for this variant (Variation ID: 1055017). This variant has not been reported in the literature in individuals affected with CHRM2-related conditions. This variant is not present in population databases (gnomAD no frequency). This sequence change replaces lysine, which is basic and polar, with glutamic acid, which is acidic and polar, at codon 218 of the CHRM2 protein (p.Lys218Glu).

NM_001006630.2(CHRM2):c.652A>G (p.Lys218Glu)

Genes: CHRM2 (cholinergic receptor muscarinic 2; plus strand), LOC349160 (uncharacterized LOC349160; minus strand). Cytogenetic location: 7q33.
Variant type: single nucleotide variant.
Coding change: c.652A>G on transcript NM_001006630.2 (MANE Select); coding-DNA position 652, A replaced by G.
Protein change: p.Lys218Glu; replaces lysine 218 with glutamic acid.
Molecular consequence: missense variant.
Genome position (GRCh38, 1-based): chr7:137,015,517, A>G. VCF-style: chr7-137015517-A-G. GRCh37 (hg19) VCF-style: chr7-136700264-A-G.
Other names: c.652A>G, p.Lys218Glu (NM_000739.3, NM_001006626.3, NM_001006627.3 and 6 more transcripts); short protein forms K218E.
Identifiers: ClinVar variation 1055017 (VCV001055017.10), dbSNP rs2131132962, ClinGen allele CA369486975.